The following is an entry in ClinVar:

ClinVar aggregate classification (germline): Uncertain significance. Review status: criteria provided, multiple submitters, no conflicts (2 of 4 stars). 2 submissions from 2 submitters: Uncertain significance (2). Last evaluated 2024-08-01.

Conditions:
Neurofibromatosis, type 1 (NF1). Also called: VON RECKLINGHAUSEN DISEASE; NEUROFIBROMATOSIS, TYPE I, SOMATIC; Peripheral type neurofibromatosis; Neurofibromatosis, type I. Identifiers: Orphanet 636, MedGen C0027831, MONDO:0018975, OMIM 162200. Disease mechanism: loss of function.

Submissions (2):

Labcorp Genetics (formerly Invitae), Labcorp
Classification: Uncertain significance for Neurofibromatosis, type 1. Last evaluated: 2024-08-01. Review status: criteria provided, single submitter. Criteria: Invitae Variant Classification Sherloc (09022015). Collection method: clinical testing. Allele origin: germline.
Comment: This sequence change replaces proline, which is neutral and non-polar, with serine, which is neutral and polar, at codon 6 of the NF1 protein (p.Pro6Ser). This variant is not present in population databases (gnomAD no frequency). This variant has not been reported in the literature in individuals affected with NF1-related conditions. ClinVar contains an entry for this variant (Variation ID: 618757). Advanced modeling of protein sequence and biophysical properties (such as structural, functional, and spatial information, amino acid conservation, physicochemical variation, residue mobility, and thermodynamic stability) performed at Invitae indicates that this missense variant is expected to disrupt NF1 protein function with a positive predictive value of 95%. In summary, the available evidence is currently insufficient to determine the role of this variant in disease. Therefore, it has been classified as a Variant of Uncertain Significance.

ARUP Laboratories, Molecular Genetics and Genomics, ARUP Laboratories
Classification: Uncertain significance. Last evaluated: 2018-04-18. Review status: criteria provided, single submitter. Criteria: ARUP Molecular Germline Variant Investigation Process. Collection method: clinical testing. Allele origin: germline.
Comment: The NF1 c.16C>T; p.Pro6Ser variant, to our knowledge, is not reported in the medical literature or in gene-specific databases. This variant is also absent from general population databases (1000 Genomes Project, Exome Variant Server, and Genome Aggregation Database), indicating it is not a common polymorphism. The proline at codon 6 is conserved across species and computational analyses (SIFT, PolyPhen-2) predict that this variant is deleterious. Additionally, computational algorithms predict this variant introduces a splicing donor site that has a similar strength as the wild-type donor (Alamut v.2.11). If this newly-created donor were utilized, this would lead to an out-of-frame product. However, without functional data, it is uncertain if this variant causes altered splicing. Due to limited information, the clinical significance of the variant cannot be determined at this time.

NM_001042492.3(NF1):c.16C>T (p.Pro6Ser)

Genes: MIR4733HG (MIR4733 host gene; minus strand), NF1 (neurofibromin 1; plus strand), LOC111811965 (NF1 (neurofibromin 1) promoter region; plus strand). Cytogenetic location: 17q11.2.
Variant type: single nucleotide variant.
Coding change: c.16C>T on transcript NM_001042492.3 (MANE Select); coding-DNA position 16, C replaced by T.
Protein change: p.Pro6Ser; replaces proline 6 with serine.
Molecular consequence: missense variant. On other transcripts: non-coding transcript variant (1).
Genome position (GRCh38, 1-based): chr17:31,095,325, C>T. VCF-style: chr17-31095325-C-T. GRCh37 (hg19) VCF-style: chr17-29422343-C-T.
Other names: c.16C>T, p.Pro6Ser (NM_000267.4, NM_001128147.3); short protein forms P6S.
Identifiers: ClinVar variation 618757 (VCV000618757.10), dbSNP rs1567786812, ClinGen allele CA398979220.